The following is an entry in ClinVar:

NM_000143.4(FH):c.748G>A (p.Gly250Ser)

Gene: FH (fumarate hydratase; minus strand). Cytogenetic location: 1q43.
Variant type: single nucleotide variant.
Coding change: c.748G>A on transcript NM_000143.4 (MANE Select); coding-DNA position 748, G replaced by A.
Protein change: p.Gly250Ser; replaces glycine 250 with serine.
Molecular consequence: missense variant.
Genome position (GRCh38, 1-based): chr1:241,506,159, C>T on the plus strand (G>A on the coding strand, the complement: FH is on the minus strand). VCF-style: chr1-241506159-C-T. GRCh37 (hg19) VCF-style: chr1-241669459-C-T.
Other names: short protein forms G250S.
Identifiers: ClinVar variation 4871331 (VCV004871331.1).

ClinVar aggregate classification (germline): Uncertain significance (1 of 4 stars; one submission).

Conditions:
Hereditary cancer-predisposing syndrome. Also called: Neoplastic Syndromes, Hereditary; Hereditary Cancer Syndrome; Hereditary neoplastic syndrome; Tumor predisposition. Identifiers: Orphanet 140162, MedGen C0027672, MeSH D009386, MONDO:0015356.

Submission:

Ambry Genetics
Classification: Uncertain significance for Hereditary cancer-predisposing syndrome. Last evaluated: 2026-05-14. Review status: criteria provided, single submitter. Criteria: Ambry Variant Classification Scheme 2023. Collection method: clinical testing. Allele origin: germline.
Comment: The p.G250S variant (also known as c.748G>A), located in coding exon 6 of the FH gene, results from a G to A substitution at nucleotide position 748. The glycine at codon 250 is replaced by serine, an amino acid with similar properties. This amino acid position is conserved. In addition, this alteration is predicted to be deleterious by in silico analysis. Based on the available evidence, the clinical significance of this variant remains unclear.